The following is an entry in ClinVar:

ClinVar aggregate classification (germline): Uncertain significance. Review status: criteria provided, multiple submitters, no conflicts (2 of 4 stars). 2 submissions from 2 submitters: Uncertain significance (2). Last evaluated 2024-10-03.

Conditions:
Hereditary cancer-predisposing syndrome. Also called: Hereditary Cancer Syndrome; Hereditary neoplastic syndrome; Neoplastic Syndromes, Hereditary; Tumor predisposition. Identifiers: Orphanet 140162, MedGen C0027672, MeSH D009386, MONDO:0015356.
Oligodontia-cancer predisposition syndrome. Also called: TOOTH AGENESIS-COLORECTAL CANCER SYNDROME. Identifiers: Orphanet 300576, MedGen C1837750, MONDO:0012075, OMIM 608615. Disease mechanism: loss of function.

Allele frequency attached by ClinVar (database versions not stated): gnomAD exomes below 0.00001.
gnomAD v4.1: 1 of 1,614,050 alleles (0.000062%); highest among the groups gnomAD compares: Non-Finnish European, 0.000085%; no homozygotes.

Submissions (2):

Labcorp Genetics (formerly Invitae), Labcorp
Classification: Uncertain significance for Oligodontia-cancer predisposition syndrome. Last evaluated: 2024-10-03. Review status: criteria provided, single submitter. Criteria: Invitae Variant Classification Sherloc (09022015). Collection method: clinical testing. Allele origin: germline.
Comment: This sequence change replaces proline, which is neutral and non-polar, with serine, which is neutral and polar, at codon 324 of the AXIN2 protein (p.Pro324Ser). This variant is not present in population databases (gnomAD no frequency). This variant has not been reported in the literature in individuals affected with AXIN2-related conditions. ClinVar contains an entry for this variant (Variation ID: 1767941). Invitae Evidence Modeling of protein sequence and biophysical properties (such as structural, functional, and spatial information, amino acid conservation, physicochemical variation, residue mobility, and thermodynamic stability) indicates that this missense variant is not expected to disrupt AXIN2 protein function with a negative predictive value of 80%. In summary, the available evidence is currently insufficient to determine the role of this variant in disease. Therefore, it has been classified as a Variant of Uncertain Significance.

Ambry Genetics
Classification: Uncertain significance for Hereditary cancer-predisposing syndrome. Last evaluated: 2022-08-22. Review status: criteria provided, single submitter. Criteria: Ambry Variant Classification Scheme 2023. Collection method: clinical testing. Allele origin: germline.
Comment: The p.P324S variant (also known as c.970C>T), located in coding exon 3 of the AXIN2 gene, results from a C to T substitution at nucleotide position 970. The proline at codon 324 is replaced by serine, an amino acid with similar properties. This amino acid position is conserved. In addition, this alteration is predicted to be deleterious by in silico analysis. Since supporting evidence is limited at this time, the clinical significance of this alteration remains unclear.

NM_004655.4(AXIN2):c.970C>T (p.Pro324Ser)

Gene: AXIN2 (axin 2; minus strand). Cytogenetic location: 17q24.1.
Variant type: single nucleotide variant.
Coding change: c.970C>T on transcript NM_004655.4 (MANE Select); coding-DNA position 970, C replaced by T.
Protein change: p.Pro324Ser; replaces proline 324 with serine.
Molecular consequence: missense variant.
Genome position (GRCh38, 1-based): chr17:65,541,544, G>A on the plus strand (C>T on the coding strand, the complement: AXIN2 is on the minus strand). VCF-style: chr17-65541544-G-A. GRCh37 (hg19) VCF-style: chr17-63537662-G-A.
Other names: c.970C>T, p.Pro324Ser (NM_001363813.1); short protein forms P324S.
Identifiers: ClinVar variation 1767941 (VCV001767941.4), dbSNP rs2144500905, ClinGen allele CA400679371.